The following is an entry in ClinVar:

NM_177438.3(DICER1):c.4489G>A (p.Asp1497Asn)

Gene: DICER1 (dicer 1, ribonuclease III; minus strand). Cytogenetic location: 14q32.13.
Variant type: single nucleotide variant.
Coding change: c.4489G>A on transcript NM_177438.3 (MANE Select); coding-DNA position 4489, G replaced by A.
Protein change: p.Asp1497Asn; replaces aspartic acid 1497 with asparagine.
Molecular consequence: missense variant.
Genome position (GRCh38, 1-based): chr14:95,096,431, C>T on the plus strand (G>A on the coding strand, the complement: DICER1 is on the minus strand). VCF-style: chr14-95096431-C-T. GRCh37 (hg19) VCF-style: chr14-95562768-C-T.
Other names: c.4489G>A, p.Asp1497Asn (NM_001195573.1, NM_001271282.3, NM_001291628.2 and 1 more transcripts); short protein forms D1497N.
Identifiers: ClinVar variation 242111 (VCV000242111.19), dbSNP rs878855268, ClinGen allele CA10583191.

ClinVar aggregate classification (germline): Uncertain significance. Review status: criteria provided, multiple submitters, no conflicts (2 of 4 stars). 4 submissions from 4 submitters: Uncertain significance (4). Last evaluated 2025-10-14.

Conditions:
DICER1-related tumor predisposition. Also called: DICER1 syndrome; DICER1-related pleuropulmonary blastoma cancer predisposition syndrome. Identifiers: Orphanet 284343, MedGen C3839822, MONDO:0100216.
Hereditary cancer-predisposing syndrome. Also called: Neoplastic Syndromes, Hereditary; Tumor predisposition; Hereditary neoplastic syndrome; Hereditary Cancer Syndrome. Identifiers: Orphanet 140162, MedGen C0027672, MeSH D009386, MONDO:0015356.

Allele frequency attached by ClinVar (database versions not stated): gnomAD exomes below 0.00001 and 0.00002; TOPMed 0.00003.

Submissions (4):

Labcorp Genetics (formerly Invitae), Labcorp
Classification: Uncertain significance for DICER1-related tumor predisposition. Last evaluated: 2025-10-14. Review status: criteria provided, single submitter. Criteria: Invitae Variant Classification Sherloc (09022015). Collection method: clinical testing. Allele origin: germline.
Comment: This sequence change replaces aspartic acid, which is acidic and polar, with asparagine, which is neutral and polar, at codon 1497 of the DICER1 protein (p.Asp1497Asn). This variant is present in population databases (no rsID available, gnomAD 0.0009%). This variant has not been reported in the literature in individuals affected with DICER1-related conditions. ClinVar contains an entry for this variant (Variation ID: 242111). Invitae Evidence Modeling of protein sequence and biophysical properties (such as structural, functional, and spatial information, amino acid conservation, physicochemical variation, residue mobility, and thermodynamic stability) indicates that this missense variant is not expected to disrupt DICER1 protein function with a negative predictive value of 95%. In summary, the available evidence is currently insufficient to determine the role of this variant in disease. Therefore, it has been classified as a Variant of Uncertain Significance.

Ambry Genetics
Classification: Uncertain significance for Hereditary cancer-predisposing syndrome. Last evaluated: 2025-05-03. Review status: criteria provided, single submitter. Criteria: Ambry Variant Classification Scheme 2023. Collection method: clinical testing. Allele origin: germline.
Comment: The p.D1497N variant (also known as c.4489G>A), located in coding exon 22 of the DICER1 gene, results from a G to A substitution at nucleotide position 4489. The aspartic acid at codon 1497 is replaced by asparagine, an amino acid with highly similar properties. This amino acid position is not well conserved in available vertebrate species. In addition, this alteration is predicted to be tolerated by in silico analysis. Since supporting evidence is limited at this time, the clinical significance of this alteration remains unclear.

Hereditary Cancer Group, L’Institut d'Investigació Biomèdica de Bellvitge
Classification: Uncertain significance for Hereditary cancer-predisposing syndrome. Last evaluated: 2024-12-19. Review status: criteria provided, single submitter. Criteria: Hatton et al. (Hum Mutat. 2023). Collection method: clinical testing. Allele origin: germline. Inheritance: Autosomal dominant inheritance. Affected: yes.
Comment: PM2_supporting, BP4

Quest Diagnostics Nichols Institute San Juan Capistrano
Classification: Uncertain significance. Last evaluated: 2023-11-21. Review status: criteria provided, single submitter. Criteria: Quest Diagnostics criteria. Collection method: clinical testing. Allele origin: unknown.
Comment: The DICER1 c.4489G>A (p.Asp1497Asn) variant has not been reported in individuals with DICER1-related conditions in the published literature. The frequency of this variant in the general population, 0.000004 (1/251408 chromosomes (Genome Aggregation Database)), is uninformative in the assessment of its pathogenicity. Analysis of this variant using bioinformatics tools for the prediction of the effect of amino acid changes on protein structure and function yielded predictions that this variant is benign. Based on the available information, we are unable to determine the clinical significance of this variant.